The following is an entry in ClinVar:

ClinVar aggregate classification (germline): Pathogenic (1 of 4 stars; one submission).

Conditions:
Hereditary spastic paraplegia 4. Also called: Spastic paraplegia 4, autosomal dominant; Spastic Paraplegia 4; Familial spastic paraplegia autosomal dominant 2. Identifiers: Orphanet 100985, MedGen C1866855, MONDO:0008438, OMIM 182601.

Submission:

Labcorp Genetics (formerly Invitae), Labcorp
Classification: Pathogenic for Hereditary spastic paraplegia 4. Last evaluated: 2026-01-12. Review status: criteria provided, single submitter. Criteria: Invitae Variant Classification Sherloc (09022015). Collection method: clinical testing. Allele origin: germline.
Comment: This sequence change creates a premature translational stop signal (p.Leu411Phefs*32) in the SPAST gene. It is expected to result in an absent or disrupted protein product. Loss-of-function variants in SPAST are known to be pathogenic (PMID: 20932283). This variant is not present in population databases (gnomAD no frequency). This premature translational stop signal has been observed in individual(s) with spastic paraplegia (PMID: 30476002). This variant is also known as c.1231dup (L411Ffs*32). For these reasons, this variant has been classified as Pathogenic.

Literature cited by the submitters: PubMed 20932283; PubMed 30476002.

NM_014946.4(SPAST):c.1232dup (p.Leu411fs)

Gene: SPAST (spastin; plus strand). Cytogenetic location: 2p22.3.
Variant type: Duplication.
Coding change: c.1232dup on transcript NM_014946.4 (MANE Select); coding-DNA position 1232, one base duplicated (T; older notation c.1232dupT).
Protein change: p.Leu411fs; shifts the reading frame from leucine 411.
Molecular consequence: frameshift variant.
Genome position (GRCh38, 1-based): chr2:32,128,466, T duplicated; the last of 3 consecutive T bases (chr2:32,128,464-32,128,466); duplicating any one gives the same sequence. VCF-style (leftmost placement, unchanged base first): chr2-32128463-G-GT. GRCh37 (hg19) VCF-style: chr2-32353532-G-GT.
Other names: c.1229dup, p.Leu410fs (NM_001363823.2); c.1133dup, p.Leu378fs (NM_001363875.2); c.1136dup, p.Leu379fs (NM_001377959.1, NM_199436.2); short protein forms L378fs, L411fs, L379fs, L410fs.
Identifiers: ClinVar variation 4697940 (VCV004697940.1).